The following is an entry in ClinVar:

ClinVar aggregate classification (germline): Uncertain significance. Review status: criteria provided, multiple submitters, no conflicts (2 of 4 stars). 5 submissions from 3 submitters: Uncertain significance (5). Last evaluated 2025-08-01.

Conditions:
Amyotrophic lateral sclerosis type 5 (ALS5). Also called: AMYOTROPHIC LATERAL SCLEROSIS 5, JUVENILE. Identifiers: Orphanet 300605, MedGen C1865864, MONDO:0011196, OMIM 602099.
Hereditary spastic paraplegia 11. Also called: Spastic Paraplegia 11; Spastic paraplegia, mental retardation and thin corpus callosum; SPASTIC PARAPLEGIA, AUTOSOMAL RECESSIVE, COMPLICATED, WITH THIN CORPUS CALLOSUM; SPASTIC PARAPLEGIA, AUTOSOMAL RECESSIVE, WITH MENTAL IMPAIRMENT AND THIN CORPUS CALLOSUM; Nakamura Osame syndrome; Autosomal recessive hereditary spastic paraplegia, mental impairment, and thin corpus callosum. Identifiers: Orphanet 2822, MedGen C1858479, MONDO:0011445, OMIM 604360.
Charcot-Marie-Tooth disease axonal type 2X. Also called: CHARCOT-MARIE-TOOTH DISEASE, AXONAL, AUTOSOMAL RECESSIVE, TYPE 2X; CHARCOT-MARIE-TOOTH NEUROPATHY, TYPE 2X. Identifiers: Orphanet 466775, MedGen C5569024, MONDO:0014726, OMIM 616668.

Allele frequency attached by ClinVar (database versions not stated): TOPMed below 0.00001; gnomAD exomes 0.00001; ExAC 0.00002.
gnomAD v4.1: 10 of 1,614,106 alleles (0.00062%); highest among the groups gnomAD compares: African/African-American, 0.0013%; no homozygotes.

Submissions (5):

CeGaT Center for Human Genetics Tuebingen
Classification: Uncertain significance. Last evaluated: 2025-08-01. Review status: criteria provided, single submitter. Criteria: CeGaT Center For Human Genetics Tuebingen Variant Classification Criteria Version 2. Collection method: clinical testing. Allele origin: germline. Affected: yes. Observed: 2 variant alleles.
Comment: SPG11: PM2

Labcorp Genetics (formerly Invitae), Labcorp
Classification: Uncertain significance for Hereditary spastic paraplegia 11. Last evaluated: 2022-07-26. Review status: criteria provided, single submitter. Criteria: Invitae Variant Classification Sherloc (09022015). Collection method: clinical testing. Allele origin: germline.
Comment: This sequence change replaces histidine, which is basic and polar, with arginine, which is basic and polar, at codon 989 of the SPG11 protein (p.His989Arg). This variant is present in population databases (rs752882400, gnomAD 0.003%). This variant has not been reported in the literature in individuals affected with SPG11-related conditions. ClinVar contains an entry for this variant (Variation ID: 872176). Algorithms developed to predict the effect of missense changes on protein structure and function are either unavailable or do not agree on the potential impact of this missense change (SIFT: "Deleterious"; PolyPhen-2: "Benign"; Align-GVGD: "Class C0"). In summary, the available evidence is currently insufficient to determine the role of this variant in disease. Therefore, it has been classified as a Variant of Uncertain Significance.

Genome-Nilou Lab
Classification: Uncertain significance for Amyotrophic lateral sclerosis type 5. Review status: criteria provided, single submitter. Criteria: ACMG Guidelines, 2015. Collection method: clinical testing. Allele origin: germline.

Genome-Nilou Lab
Classification: Uncertain significance for Charcot-Marie-Tooth disease axonal type 2X. Review status: criteria provided, single submitter. Criteria: ACMG Guidelines, 2015. Collection method: clinical testing. Allele origin: germline.

Genome-Nilou Lab
Classification: Uncertain significance for Hereditary spastic paraplegia 11. Review status: criteria provided, single submitter. Criteria: ACMG Guidelines, 2015. Collection method: clinical testing. Allele origin: germline.

NM_025137.4(SPG11):c.2966A>G (p.His989Arg)

Gene: SPG11 (SPG11 vesicle trafficking associated, spatacsin; minus strand). Cytogenetic location: 15q21.1.
Variant type: single nucleotide variant.
Coding change: c.2966A>G on transcript NM_025137.4 (MANE Select); coding-DNA position 2966, A replaced by G.
Protein change: p.His989Arg; replaces histidine 989 with arginine.
Molecular consequence: missense variant.
Genome position (GRCh38, 1-based): chr15:44,615,435, T>C on the plus strand (A>G on the coding strand, the complement: SPG11 is on the minus strand). VCF-style: chr15-44615435-T-C. GRCh37 (hg19) VCF-style: chr15-44907633-T-C.
Other names: c.2966A>G, p.His989Arg (NM_001160227.2); short protein forms H989R.
Identifiers: ClinVar variation 872176 (VCV000872176.45), dbSNP rs752882400, ClinGen allele CA7535097.